The following is an entry in ClinVar:

NM_014363.6(SACS):c.382_383del (p.Glu128fs)

Gene: SACS (sacsin molecular chaperone; minus strand). Cytogenetic location: 13q12.12.
Variant type: Deletion.
Coding change: c.382_383del on transcript NM_014363.6 (MANE Select); coding-DNA positions 382 to 383, 2 bases deleted (GA; older notation c.382_383delGA).
Protein change: p.Glu128fs; shifts the reading frame from glutamic acid 128.
Molecular consequence: frameshift variant. On other transcripts: 5 prime UTR variant (1).
Genome position (GRCh38, 1-based): chr13:23,365,240-23,365,241, TC deleted on the plus strand (GA on the coding strand, the reverse complement: SACS is on the minus strand); deleting any 2 consecutive bases within chr13:23,365,240-23,365,242 gives the same sequence; the c. name uses the placement nearest the transcript's 3' end. VCF-style (leftmost placement, unchanged base first): chr13-23365239-TTC-T. GRCh37 (hg19) VCF-style: chr13-23939378-TTC-T.
Other names: c.-60_-59del (NM_001278055.2); c.382_383delGA (NM_014363.5); short protein forms E128fs.
Identifiers: ClinVar variation 856558 (VCV000856558.13), dbSNP rs757179309, ClinGen allele CA6912104.

ClinVar aggregate classification (germline): Pathogenic/Likely pathogenic. Review status: criteria provided, multiple submitters, no conflicts (2 of 4 stars). 6 submissions from 6 submitters: Pathogenic (4); Likely pathogenic (2). Last evaluated 2025-02-24.

Conditions:
Spastic paraplegia. Identifiers: MedGen C0037772, HP:0001258.
Charlevoix-Saguenay spastic ataxia (SACS). Also called: Spastic ataxia of Charlevoix-Saguenay; SPASTIC ATAXIA 6, AUTOSOMAL RECESSIVE; AUTOSOMAL RECESSIVE SPASTIC ATAXIA OF CHARLEVOIX-SAGUENAY. Identifiers: Orphanet 98, MedGen C1849140, MONDO:0010041, OMIM 270550.

Submissions (6):

Natera, Inc.
Classification: Pathogenic for Charlevoix-Saguenay type spastic ataxia. Last evaluated: 2025-02-24. Review status: criteria provided, single submitter. Criteria: Natera Variant Classification Schema (03/2026). Collection method: clinical testing. Allele origin: germline.
Comment: The c.382_383delGA variant in SACS is a frameshift variant predicted to shift the reading frame beginning at codon 128 and leads to a stop codon 2 codons downstream. This variant is expected to result in nonsense mediated decay, truncation, or a dysfunctional protein product. This variant is rare in the general population with a frequency below the threshold expected for the associated phenotype(s). This variant has been observed in one or more individuals affected with the associated recessive disease, as either homozygous or compound heterozygous with a second variant (PMID: 32775015). Given the available evidence, this variant is classified as Pathogenic.

Fulgent Genetics
Classification: Pathogenic for Charlevoix-Saguenay spastic ataxia. Last evaluated: 2024-05-24. Review status: criteria provided, single submitter. Criteria: ACMG Guidelines, 2015. Collection method: clinical testing. Allele origin: germline.

Baylor Genetics
Classification: Likely pathogenic for Charlevoix-Saguenay spastic ataxia. Last evaluated: 2024-02-05. Review status: criteria provided, single submitter. Criteria: ACMG Guidelines, 2015. Collection method: clinical testing. Allele origin: unknown.

Labcorp Genetics (formerly Invitae), Labcorp
Classification: Pathogenic for Spastic paraplegia. Last evaluated: 2023-12-09. Review status: criteria provided, single submitter. Criteria: Invitae Variant Classification Sherloc (09022015). Collection method: clinical testing. Allele origin: germline.
Comment: This sequence change creates a premature translational stop signal (p.Glu128Serfs*2) in the SACS gene. It is expected to result in an absent or disrupted protein product. Loss-of-function variants in SACS are known to be pathogenic (PMID: 18465152, 20876471). This variant is present in population databases (rs757179309, gnomAD 0.007%). This premature translational stop signal has been observed in individual(s) with SACS-related conditions (Invitae). ClinVar contains an entry for this variant (Variation ID: 856558). For these reasons, this variant has been classified as Pathogenic.

Genome-Nilou Lab
Classification: Likely pathogenic for Charlevoix-Saguenay spastic ataxia. Last evaluated: 2021-09-05. Review status: criteria provided, single submitter. Criteria: ACMG Guidelines, 2015. Collection method: clinical testing. Allele origin: germline. Affected: no.

Athena Diagnostics
Classification: Pathogenic. Last evaluated: 2020-07-02. Review status: criteria provided, single submitter. Criteria: Athena Diagnostics Criteria. Collection method: clinical testing. Allele origin: unknown.
Comment: The variant results in a shift of the reading frame, and is therefore predicted to result in the loss of a functional protein. Found in at least one patient with expected phenotype for this gene, and found in general population data at a frequency that is consistent with pathogenicity.

Literature cited by the submitters: PubMed 32775015 (cited by Natera, Inc.); PubMed 18465152 (cited by Labcorp Genetics (formerly Invitae), Labcorp); PubMed 20876471 (cited by Labcorp Genetics (formerly Invitae), Labcorp).